The following is an entry in ClinVar:

ClinVar aggregate classification (germline): Benign/Likely benign. Review status: criteria provided, multiple submitters, no conflicts (2 of 4 stars). 4 submissions from 4 submitters: Benign (2); Likely benign (1). 1 of the submissions does not count toward it. Last evaluated 2026-01-24.

Conditions:
MECOM-related disorder. Also called: MECOM-related condition.

Allele frequency attached by ClinVar (database versions not stated): ExAC 0.00023; 1000 Genomes Project 0.00060; 1000 Genomes Project 30x 0.00062; gnomAD 0.00064 and 0.00067; ESP Exome Variant Server 0.00069; TOPMed 0.00069; gnomAD exomes 0.00018.
gnomAD v4.1: 230 of 1,612,750 alleles (0.014%); highest among the groups gnomAD compares: African/African-American, 0.2%; no homozygotes.

Submissions (4):

Labcorp Genetics (formerly Invitae), Labcorp
Classification: Likely benign. Last evaluated: 2026-01-24. Review status: criteria provided, single submitter. Criteria: Invitae Variant Classification Sherloc (09022015). Collection method: clinical testing. Allele origin: germline.

Genetic Services Laboratory, University of Chicago
Classification: Benign. Last evaluated: 2021-05-24. Review status: criteria provided, single submitter. Criteria: ACMG Guidelines, 2015. Collection method: clinical testing. Allele origin: germline. Affected: no.

Breakthrough Genomics
Classification: Benign. Review status: criteria provided, single submitter. Criteria: ACMG Guidelines, 2015. Collection method: not provided. Allele origin: germline. Inheritance: Autosomal dominant inheritance. Affected: yes.

PreventionGenetics, part of Exact Sciences
Classification: Likely benign for MECOM-related condition. Last evaluated: 2019-07-15. Review status: no assertion criteria provided. Collection method: clinical testing. Allele origin: germline. Not counted in ClinVar's aggregate classification.
Comment: This variant is classified as likely benign based on ACMG/AMP sequence variant interpretation guidelines (Richards et al. 2015 PMID: 25741868, with internal and published modifications).

NM_004991.4(MECOM):c.2590G>A (p.Asp864Asn)

Gene: MECOM (MDS1 and EVI1 complex locus; minus strand). Cytogenetic location: 3q26.2.
Variant type: single nucleotide variant.
Coding change: c.2590G>A on transcript NM_004991.4 (MANE Select); coding-DNA position 2590, G replaced by A.
Protein change: p.Asp864Asn; replaces aspartic acid 864 with asparagine.
Molecular consequence: missense variant. On other transcripts: intron variant (8).
Genome position (GRCh38, 1-based): chr3:169,107,940, C>T on the plus strand (G>A on the coding strand, the complement: MECOM is on the minus strand). VCF-style: chr3-169107940-C-T. GRCh37 (hg19) VCF-style: chr3-168825728-C-T.
Other names: c.2221G>A, p.Asp741Asn (NM_001105077.4); c.2026G>A, p.Asp676Asn (NM_001105078.4, NM_001205194.2, NM_001366469.2 and 1 more transcripts); c.2029G>A, p.Asp677Asn (NM_001366467.2, NM_001366468.2); c.1605+4847G>A (NM_001366473.2); c.2577+4847G>A (NM_001366466.2); c.1041+4847G>A (NM_001366474.2); c.2013+4847G>A (NM_001164000.2, NM_001366471.2, NM_001366472.2); c.2016+4847G>A (NM_001366470.2, NM_001163999.2); short protein forms D676N, D677N, D741N, D864N.
Identifiers: ClinVar variation 1337491 (VCV001337491.11), dbSNP rs75041628, ClinGen allele CA2696104.